The following is an entry in ClinVar:

ClinVar aggregate classification (germline): Uncertain significance. Review status: criteria provided, multiple submitters, no conflicts (2 of 4 stars). 2 submissions from 2 submitters: Uncertain significance (2). Last evaluated 2025-10-23.

Allele frequency attached by ClinVar (database versions not stated): ExAC 0.00005; gnomAD 0.00011; 1000 Genomes Project 30x 0.00016; 1000 Genomes Project 0.00020; ESP Exome Variant Server 0.00023.
gnomAD v4.1: 88 of 1,614,170 alleles (0.0055%); highest among the groups gnomAD compares: African/African-American, 0.037%; no homozygotes.

Submissions (2):

Labcorp Genetics (formerly Invitae), Labcorp
Classification: Uncertain significance. Last evaluated: 2025-10-23. Review status: criteria provided, single submitter. Criteria: Invitae Variant Classification Sherloc (09022015). Collection method: clinical testing. Allele origin: germline.
Comment: This sequence change replaces glycine, which is neutral and non-polar, with arginine, which is basic and polar, at codon 610 of the IL12RB2 protein (p.Gly610Arg). This variant is present in population databases (rs150091362, gnomAD 0.01%). This variant has not been reported in the literature in individuals affected with IL12RB2-related conditions. ClinVar contains an entry for this variant (Variation ID: 1443651). An algorithm developed to predict the effect of missense changes on protein structure and function (PolyPhen-2) suggests that this variant is likely to be disruptive. In summary, the available evidence is currently insufficient to determine the role of this variant in disease. Therefore, it has been classified as a Variant of Uncertain Significance.

Ambry Genetics
Classification: Uncertain significance. Last evaluated: 2021-09-16. Review status: criteria provided, single submitter. Criteria: Ambry Variant Classification Scheme 2023. Collection method: clinical testing. Allele origin: germline.

NM_001374259.2(IL12RB2):c.1828G>A (p.Gly610Arg)

Gene: IL12RB2 (interleukin 12 receptor subunit beta 2; plus strand). Cytogenetic location: 1p31.3.
Variant type: single nucleotide variant.
Coding change: c.1828G>A on transcript NM_001374259.2 (MANE Select); coding-DNA position 1828, G replaced by A.
Protein change: p.Gly610Arg; replaces glycine 610 with arginine.
Molecular consequence: missense variant. On other transcripts: non-coding transcript variant (2).
Genome position (GRCh38, 1-based): chr1:67,380,096, G>A. VCF-style: chr1-67380096-G-A. GRCh37 (hg19) VCF-style: chr1-67845779-G-A.
Other names: c.1828G>A, p.Gly610Arg (NM_001258214.1, NM_001258216.1, NM_001319233.1 and 1 more transcripts); c.1570G>A, p.Gly524Arg (NM_001258215.1); c.1828G>A (NM_001559.2); short protein forms G610R, G524R.
Identifiers: ClinVar variation 1443651 (VCV001443651.7), dbSNP rs150091362, ClinGen allele CA900581.